The following is an entry in ClinVar:

ClinVar aggregate classification (germline): Uncertain significance. Review status: criteria provided, multiple submitters, no conflicts (2 of 4 stars). 2 submissions from 2 submitters: Uncertain significance (2). Last evaluated 2022-07-06.

Allele frequency attached by ClinVar (database versions not stated): ExAC 0.00001; gnomAD exomes 0.00001.

Submissions (2):

Labcorp Genetics (formerly Invitae), Labcorp
Classification: Uncertain significance. Last evaluated: 2022-07-06. Review status: criteria provided, single submitter. Criteria: Invitae Variant Classification Sherloc (09022015). Collection method: clinical testing. Allele origin: germline.
Comment: ClinVar contains an entry for this variant (Variation ID: 1502919). In summary, the available evidence is currently insufficient to determine the role of this variant in disease. Therefore, it has been classified as a Variant of Uncertain Significance. Algorithms developed to predict the effect of missense changes on protein structure and function are either unavailable or do not agree on the potential impact of this missense change (SIFT: "Deleterious"; PolyPhen-2: "Benign"; Align-GVGD: "Class C0"). This variant has not been reported in the literature in individuals affected with DHX38-related conditions. This variant is present in population databases (rs759595573, gnomAD 0.003%). This sequence change replaces arginine, which is basic and polar, with tryptophan, which is neutral and slightly polar, at codon 59 of the DHX38 protein (p.Arg59Trp).

Blueprint Genetics
Classification: Uncertain significance. Last evaluated: 2021-06-22. Review status: criteria provided, single submitter. Criteria: ACMG Guidelines, 2015. Collection method: clinical testing. Allele origin: germline.

NM_014003.4(DHX38):c.175C>T (p.Arg59Trp)

Gene: DHX38 (DEAH-box helicase 38; plus strand). Cytogenetic location: 16q22.2.
Variant type: single nucleotide variant.
Coding change: c.175C>T on transcript NM_014003.4 (MANE Select); coding-DNA position 175, C replaced by T.
Protein change: p.Arg59Trp; replaces arginine 59 with tryptophan.
Molecular consequence: missense variant.
Genome position (GRCh38, 1-based): chr16:72,096,332, C>T. VCF-style: chr16-72096332-C-T. GRCh37 (hg19) VCF-style: chr16-72130231-C-T.
Other names: short protein forms R59W.
Identifiers: ClinVar variation 1502919 (VCV001502919.7), dbSNP rs759595573, ClinGen allele CA8159887.